The following is an entry in ClinVar:

NM_001122955.4(BSCL2):c.250T>G (p.Leu84Val)

Genes: HNRNPUL2-BSCL2 (HNRNPUL2-BSCL2 readthrough (NMD candidate); minus strand), BSCL2 (BSCL2 lipid droplet biogenesis associated, seipin; minus strand). Cytogenetic location: 11q12.3.
Variant type: single nucleotide variant.
Coding change: c.250T>G on transcript NM_001122955.4 (MANE Select); coding-DNA position 250, T replaced by G.
Protein change: p.Leu84Val; replaces leucine 84 with valine.
Molecular consequence: missense variant. On other transcripts: non-coding transcript variant (1).
Genome position (GRCh38, 1-based): chr11:62,705,455, A>C on the plus strand (T>G on the coding strand, the complement: BSCL2 is on the minus strand). VCF-style: chr11-62705455-A-C. GRCh37 (hg19) VCF-style: chr11-62472927-A-C.
Other names: c.58T>G, p.Leu20Val (NM_001130702.2, NM_032667.6); c.250T>G, p.Leu84Val (NM_001386027.1, NM_001386028.1); short protein forms L20V, L84V.
Identifiers: ClinVar variation 1985952 (VCV001985952.4), dbSNP rs1247598665, ClinGen allele CA380970724.
Genomic context (GRCh38, chr11:62,705,455, plus strand): 5'-GGAGGATGGTGCAGAAGAGCACCCCAAACTGCAGCAGCAGCCTGCGGGCACGGCCTGCCA[A>C]GACTTGGCCCACCTCCTGGGCCCACAGTAAGGCAGGTACTGGAGGGTCGTTGACCATGGC-3'
Protein context (NP_001116427.1, residues 74-94): LLWAQEVGQV[Leu84Val]AGRARRLLLQ

ClinVar aggregate classification (germline): Uncertain significance (1 of 4 stars; one submission).

Conditions:
Charcot-Marie-Tooth disease type 2. Also called: Charcot-Marie-Tooth type 2. Identifiers: Orphanet 64746, MedGen C0270914, MONDO:0018993.

Allele frequency attached by ClinVar (database versions not stated): TOPMed below 0.00001; gnomAD 0.00001.
gnomAD v4.1: 3 of 1,614,096 alleles (0.00019%); highest among the groups gnomAD compares: Admixed American, 0.005%; no homozygotes.

Submission:

Labcorp Genetics (formerly Invitae), Labcorp
Classification: Uncertain significance for Charcot-Marie-Tooth disease type 2. Last evaluated: 2022-03-19. Review status: criteria provided, single submitter. Criteria: Invitae Variant Classification Sherloc (09022015). Collection method: clinical testing. Allele origin: germline.
Comment: In summary, the available evidence is currently insufficient to determine the role of this variant in disease. Therefore, it has been classified as a Variant of Uncertain Significance. This sequence change replaces leucine, which is neutral and non-polar, with valine, which is neutral and non-polar, at codon 20 of the BSCL2 protein (p.Leu20Val). This variant is present in population databases (no rsID available, gnomAD 0.003%). This variant has not been reported in the literature in individuals affected with BSCL2-related conditions. Algorithms developed to predict the effect of missense changes on protein structure and function output the following: SIFT: "Tolerated"; PolyPhen-2: "Benign"; Align-GVGD: "Class C0". The valine amino acid residue is found in multiple mammalian species, which suggests that this missense change does not adversely affect protein function.